The following is an entry in ClinVar:

ClinVar aggregate classification (germline): Uncertain significance (1 of 4 stars; one submission).

Conditions:
Hereditary sensory and autonomic neuropathy type 6. Also called: HSAN VI; Neuropathy, hereditary sensory and autonomic, type VI. Identifiers: Orphanet 314381, MedGen C3539003, MONDO:0013839, OMIM 614653.
Epidermolysis bullosa simplex 3, localized or generalized intermediate, with BP230 deficiency (EBS3). Also called: Epidermolysis bullosa simplex, autosomal recessive 2; Epidermolysis bullosa simplex due to BP230 deficiency. Identifiers: Orphanet 412181, MedGen C3809470, MONDO:0014180, OMIM 615425.

Allele frequency attached by ClinVar (database versions not stated): TOPMed below 0.00001; gnomAD 0.00001; ExAC 0.00002; gnomAD exomes 0.00002; ESP Exome Variant Server 0.00008.
gnomAD v4.1: 34 of 1,613,906 alleles (0.0021%); highest among the groups gnomAD compares: East Asian, 0.02%; no homozygotes.

Submission:

Labcorp Genetics (formerly Invitae), Labcorp
Classification: Uncertain significance for Epidermolysis bullosa simplex 3, localized or generalized intermediate, with BP230 deficiency; Hereditary sensory and autonomic neuropathy type 6. Last evaluated: 2023-08-04. Review status: criteria provided, single submitter. Criteria: Invitae Variant Classification Sherloc (09022015). Collection method: clinical testing. Allele origin: germline.
Comment: This variant has not been reported in the literature in individuals affected with DST-related conditions. ClinVar contains an entry for this variant (Variation ID: 1903710). An algorithm developed to predict the effect of missense changes on protein structure and function (PolyPhen-2) suggests that this variant is likely to be tolerated. In summary, the available evidence is currently insufficient to determine the role of this variant in disease. Therefore, it has been classified as a Variant of Uncertain Significance. This variant is present in population databases (rs143865087, gnomAD 0.03%). This sequence change replaces valine, which is neutral and non-polar, with alanine, which is neutral and non-polar, at codon 2352 of the DST protein (p.Val2352Ala).

NM_001723.7(DST):c.7055T>C (p.Val2352Ala)

Gene: DST (dystonin; minus strand). Cytogenetic location: 6p12.1.
Variant type: single nucleotide variant.
Coding change: c.7055T>C on transcript NM_001723.7 (MANE Plus Clinical); coding-DNA position 7055, T replaced by C.
Protein change: p.Val2352Ala; replaces valine 2352 with alanine.
Molecular consequence: missense variant. On other transcripts: intron variant (10).
Genome position (GRCh38, 1-based): chr6:56,616,412, A>G on the plus strand (T>C on the coding strand, the complement: DST is on the minus strand). VCF-style: chr6-56616412-A-G. GRCh37 (hg19) VCF-style: chr6-56481210-A-G.
Other names: c.4831-1928T>C (NM_001144769.5); c.4930-1928T>C (NM_001374722.1, NM_001374736.1); c.4957-1928T>C (NM_001374734.1); c.4417-1928T>C (NM_001144770.2); c.4297-1928T>C (NM_001374730.1, NM_001386100.1, NM_183380.4 and 1 more transcripts); c.3319-1928T>C (NM_015548.5); short protein forms V2352A.
Identifiers: ClinVar variation 1903710 (VCV001903710.5), dbSNP rs143865087, ClinGen allele CA3870035.
Genomic context (GRCh38, chr6:56,616,412, plus strand): 5'-TGCCCTGAAAGTTCAAGATATATACTTTTCTCAATCAGGTTTCTCTGGAAAGCCTCATAC[A>G]CGGTCAATTCTGATCCTGTTTTAGTATCTACTACAGAAATTCTATGTGTTTTCTTGACAT-3'
Protein context (NP_001714.1, residues 2342-2362): VDTKTGSELT[Val2352Ala]YEAFQRNLIE